The following is an entry in ClinVar:

ClinVar aggregate classification (germline): Uncertain significance (1 of 4 stars; one submission).

Conditions:
Niemann-Pick disease, type C1. Also called: NEUROVISCERAL STORAGE DISEASE WITH VERTICAL SUPRANUCLEAR OPHTHALMOPLEGIA; NIEMANN-PICK DISEASE WITH CHOLESTEROL ESTERIFICATION BLOCK; NIEMANN-PICK DISEASE WITHOUT SPHINGOMYELINASE DEFICIENCY; NIEMANN-PICK DISEASE, CHRONIC NEURONOPATHIC FORM; NIEMANN-PICK DISEASE, VARIANT TYPE C1. Identifiers: Orphanet 646, MedGen C3179455, MONDO:0009757, OMIM 257220.

Allele frequency attached by ClinVar (database versions not stated): TOPMed below 0.00001.

Submission:

Labcorp Genetics (formerly Invitae), Labcorp
Classification: Uncertain significance for Niemann-Pick disease, type C1. Last evaluated: 2019-05-01. Review status: criteria provided, single submitter. Criteria: Invitae Variant Classification Sherloc (09022015). Collection method: clinical testing. Allele origin: germline.
Comment: In summary, the available evidence is currently insufficient to determine the role of this variant in disease. Therefore, it has been classified as a Variant of Uncertain Significance. Algorithms developed to predict the effect of missense changes on protein structure and function are either unavailable or do not agree on the potential impact of this missense change (SIFT: "Deleterious"; PolyPhen-2: "Benign"; Align-GVGD: "Class C45"). This variant has not been reported in the literature in individuals with NPC1-related conditions. This variant is not present in population databases (ExAC no frequency). This sequence change replaces arginine with glycine at codon 1227 of the NPC1 protein (p.Arg1227Gly). The arginine residue is highly conserved and there is a moderate physicochemical difference between arginine and glycine.

NM_000271.5(NPC1):c.3679A>G (p.Arg1227Gly)

Gene: NPC1 (NPC intracellular cholesterol transporter 1; minus strand). Cytogenetic location: 18q11.2.
Variant type: single nucleotide variant.
Coding change: c.3679A>G on transcript NM_000271.5 (MANE Select); coding-DNA position 3679, A replaced by G.
Protein change: p.Arg1227Gly; replaces arginine 1227 with glycine.
Molecular consequence: missense variant.
Genome position (GRCh38, 1-based): chr18:23,533,430, T>C on the plus strand (A>G on the coding strand, the complement: NPC1 is on the minus strand). VCF-style: chr18-23533430-T-C. GRCh37 (hg19) VCF-style: chr18-21113394-T-C.
Other names: short protein forms R1227G.
Identifiers: ClinVar variation 945147 (VCV000945147.9), dbSNP rs772924731, ClinGen allele CA401790653.
Genomic context (GRCh38, chr18:23,533,430, plus strand): 5'-AGACAGGGAGAAATATTAATCCGTGAGTGGCTCCCAGTAAGACCATGGCCAAATACATCC[T>C]GAAGTAGAATATCTGGAAAATTTGAGATTTGGCAAAAGCCAACACCACAATCCCTCCAAA-3'
Protein context (NP_000262.2, residues 1217-1237): KSQIFQIFYF[Arg1227Gly]MYLAMVLLGA